The following is an entry in ClinVar:

ClinVar aggregate classification (germline): Uncertain significance (1 of 4 stars; one submission).

Conditions:
Immunodeficiency 14 (IMD14A). Also called: IMMUNODEFICIENCY 14A WITH LYMPHOPROLIFERATION, AUTOSOMAL DOMINANT; Activated PI3K Delta Syndrome Type 1 (APDS1); p110-DELTA-ACTIVATING MUTATION CAUSING SENESCENT T CELLS, LYMPHADENOPATHY, AND IMMUNODEFICIENCY; ACTIVATED PI3K-DELTA SYNDROME 1. Identifiers: Orphanet 397596, Orphanet 693661, MedGen C5907821, MONDO:0014222, OMIM 615513.

Submission:

Labcorp Genetics (formerly Invitae), Labcorp
Classification: Uncertain significance for Activated PI3K-delta syndrome. Last evaluated: 2022-05-18. Review status: criteria provided, single submitter. Criteria: Invitae Variant Classification Sherloc (09022015). Collection method: clinical testing. Allele origin: germline.
Comment: This sequence change falls in intron 9 of the PIK3CD gene. It does not directly change the encoded amino acid sequence of the PIK3CD protein. This variant is not present in population databases (gnomAD no frequency). In summary, the available evidence is currently insufficient to determine the role of this variant in disease. Therefore, it has been classified as a Variant of Uncertain Significance. Algorithms developed to predict the effect of sequence changes on RNA splicing suggest that this variant may create or strengthen a splice site. This variant has not been reported in the literature in individuals affected with PIK3CD-related conditions.

NM_005026.5(PIK3CD):c.1242+13G>T

Genes: PIK3CD (phosphatidylinositol-4,5-bisphosphate 3-kinase catalytic subunit delta; plus strand), LOC126805612 (MED14-independent group 3 enhancer GRCh37_chr1:9778914-9780113; plus strand). Cytogenetic location: 1p36.22.
Variant type: single nucleotide variant.
Coding change: c.1242+13G>T on transcript NM_005026.5 (MANE Select); 13 bases into the intron after coding-DNA position 1242, G replaced by T.
Molecular consequence: intron variant.
Genome position (GRCh38, 1-based): chr1:9,718,928, G>T. VCF-style: chr1-9718928-G-T. GRCh37 (hg19) VCF-style: chr1-9778986-G-T.
Other names: c.1242+13G>T (NM_001350234.2); c.1155+13G>T (NM_001350235.1).
Identifiers: ClinVar variation 2127407 (VCV002127407.4), dbSNP rs2100910295, ClinGen allele CA2580062575.